The following is an entry in ClinVar:

NM_002292.4(LAMB2):c.1189C>T (p.Pro397Ser)

Gene: LAMB2 (laminin subunit beta 2; minus strand). Cytogenetic location: 3p21.31.
Variant type: single nucleotide variant.
Coding change: c.1189C>T on transcript NM_002292.4 (MANE Select); coding-DNA position 1189, C replaced by T.
Protein change: p.Pro397Ser; replaces proline 397 with serine.
Molecular consequence: missense variant.
Genome position (GRCh38, 1-based): chr3:49,130,267, G>A on the plus strand (C>T on the coding strand, the complement: LAMB2 is on the minus strand). VCF-style: chr3-49130267-G-A. GRCh37 (hg19) VCF-style: chr3-49167700-G-A.
Other names: short protein forms P397S.
Identifiers: ClinVar variation 3752170 (VCV003752170.2).

ClinVar aggregate classification (germline): Uncertain significance (1 of 4 stars; one submission).

Conditions:
LAMB2-related infantile-onset nephrotic syndrome. Also called: NEPHROTIC SYNDROME, TYPE 5, WITHOUT OCULAR ABNORMALITIES; NEPHROTIC SYNDROME, TYPE 5, WITH OCULAR ABNORMALITIES; Nephrotic Syndrome, type 5. Identifiers: Orphanet 306507, MedGen C3280113, MONDO:0013621, OMIM 614199.
Pierson syndrome. Also called: MICROCORIA-CONGENITAL NEPHROTIC SYNDROME. Identifiers: Orphanet 2670, MedGen C1836876, MONDO:0012184, OMIM 609049.

gnomAD v4.1: 5 of 1,614,236 alleles (0.00031%); highest among the groups gnomAD compares: South Asian, 0.0055%; no homozygotes.

Submission:

Labcorp Genetics (formerly Invitae), Labcorp
Classification: Uncertain significance for LAMB2-related infantile-onset nephrotic syndrome; Pierson syndrome. Last evaluated: 2025-10-02. Review status: criteria provided, single submitter. Criteria: Invitae Variant Classification Sherloc (09022015). Collection method: clinical testing. Allele origin: germline.
Comment: This sequence change replaces proline, which is neutral and non-polar, with serine, which is neutral and polar, at codon 397 of the LAMB2 protein (p.Pro397Ser). This variant is not present in population databases (gnomAD no frequency). This variant has not been reported in the literature in individuals affected with LAMB2-related conditions. ClinVar contains an entry for this variant (Variation ID: 3752170). An algorithm developed to predict the effect of missense changes on protein structure and function (PolyPhen-2) suggests that this variant is likely to be disruptive. In summary, the available evidence is currently insufficient to determine the role of this variant in disease. Therefore, it has been classified as a Variant of Uncertain Significance.